The following is an entry in ClinVar:

ClinVar aggregate classification (germline): Uncertain significance (1 of 4 stars; one submission).

Conditions:
NRP1-related disorder. Also called: NRP1-related condition.

gnomAD v4.1: 12 of 1,614,076 alleles (0.00074%); highest among the groups gnomAD compares: Admixed American, 0.02%; no homozygotes.

Submission:

PreventionGenetics, part of Exact Sciences
Classification: Uncertain significance for NRP1-related condition. Last evaluated: 2026-03-19. Review status: criteria provided, single submitter. Criteria: ACMG Guidelines, 2015. Collection method: clinical testing. Allele origin: germline.
Comment: The NRP1 c.2726T>G variant is predicted to result in the amino acid substitution p.Leu909Trp. To our knowledge, this variant has not been reported in the literature. This variant is reported in 0.032% of alleles in individuals of Latino descent in gnomAD. At this time, the clinical significance of this variant is uncertain due to the absence of conclusive functional and genetic evidence.

NM_003873.7(NRP1):c.2726T>G (p.Leu909Trp)

Gene: NRP1 (neuropilin 1; minus strand). Cytogenetic location: 10p11.22.
Variant type: single nucleotide variant.
Coding change: c.2726T>G on transcript NM_003873.7 (MANE Select); coding-DNA position 2726, T replaced by G.
Protein change: p.Leu909Trp; replaces leucine 909 with tryptophan.
Molecular consequence: missense variant. On other transcripts: non-coding transcript variant (1).
Genome position (GRCh38, 1-based): chr10:33,180,122, A>C on the plus strand (T>G on the coding strand, the complement: NRP1 is on the minus strand). VCF-style: chr10-33180122-A-C. GRCh37 (hg19) VCF-style: chr10-33469050-A-C.
Other names: c.2708T>G, p.Leu903Trp (NM_001244972.2); c.2705T>G, p.Leu902Trp (NM_001244973.2); c.2675T>G, p.Leu892Trp (NM_001330068.2); short protein forms L902W, L892W, L903W, L909W.
Identifiers: ClinVar variation 4988331 (VCV004988331.1).